The following is an entry in ClinVar:

NM_004995.4(MMP14):c.1309C>T (p.Arg437Cys)

Gene: MMP14 (matrix metallopeptidase 14; plus strand). Cytogenetic location: 14q11.2.
Variant type: single nucleotide variant.
Coding change: c.1309C>T on transcript NM_004995.4 (MANE Select); coding-DNA position 1309, C replaced by T.
Protein change: p.Arg437Cys; replaces arginine 437 with cysteine.
Molecular consequence: missense variant.
Genome position (GRCh38, 1-based): chr14:22,845,258, C>T. VCF-style: chr14-22845258-C-T. GRCh37 (hg19) VCF-style: chr14-23314467-C-T.
Other names: short protein forms R437C.
Identifiers: ClinVar variation 1473417 (VCV001473417.6), dbSNP rs762349938, ClinGen allele CA7105446.

ClinVar aggregate classification (germline): Uncertain significance (1 of 4 stars; one submission).

Allele frequency attached by ClinVar (database versions not stated): gnomAD exomes below 0.00001; gnomAD 0.00001; ExAC 0.00002.
gnomAD v4.1: 4 of 1,613,174 alleles (0.00025%); highest among the groups gnomAD compares: African/African-American, 0.0013%; no homozygotes.

Submission:

Labcorp Genetics (formerly Invitae), Labcorp
Classification: Uncertain significance. Last evaluated: 2021-10-29. Review status: criteria provided, single submitter. Criteria: Invitae Variant Classification Sherloc (09022015). Collection method: clinical testing. Allele origin: germline.
Comment: This sequence change replaces arginine, which is basic and polar, with cysteine, which is neutral and slightly polar, at codon 437 of the MMP14 protein (p.Arg437Cys). In summary, the available evidence is currently insufficient to determine the role of this variant in disease. Therefore, it has been classified as a Variant of Uncertain Significance. Algorithms developed to predict the effect of missense changes on protein structure and function (SIFT, PolyPhen-2, Align-GVGD) all suggest that this variant is likely to be disruptive. This variant has not been reported in the literature in individuals affected with MMP14-related conditions. The frequency data for this variant in the population databases is considered unreliable, as metrics indicate poor data quality at this position in the gnomAD database.